The following is an entry in ClinVar:

NM_000894.3(LHB):c.82T>C (p.Trp28Arg)

Gene: LHB (luteinizing hormone subunit beta; minus strand). Cytogenetic location: 19q13.33.
Variant type: single nucleotide variant.
Coding change: c.82T>C on transcript NM_000894.3 (MANE Select); coding-DNA position 82, T replaced by C.
Protein change: p.Trp28Arg; replaces tryptophan 28 with arginine.
Molecular consequence: missense variant.
Genome position (GRCh38, 1-based): chr19:49,016,648, A>G on the plus strand (T>C on the coding strand, the complement: LHB is on the minus strand). VCF-style: chr19-49016648-A-G. GRCh37 (hg19) VCF-style: chr19-49519905-A-G.
Other names: W8R; short protein forms W28R.
Identifiers: ClinVar variation 446195 (VCV000446195.13), dbSNP rs1800447, ClinGen allele CA035714.

ClinVar aggregate classification (germline): Benign. Review status: criteria provided, multiple submitters, no conflicts (2 of 4 stars). 3 submissions from 3 submitters: Benign (3). Last evaluated 2026-02-03.

Allele frequency attached by ClinVar (database versions not stated): 1000 Genomes Project 0.05791; TOPMed 0.07262; 1000 Genomes Project 30x 0.05700; gnomAD exomes 0.06479 and 0.07566; ExAC 0.07012; gnomAD 0.07517 and 0.07725.
gnomAD v4.1: 121,677 of 1,608,732 alleles (7.6%); highest among the groups gnomAD compares: Middle Eastern, 8.4%; 5,114 homozygotes.

Submissions (3):

Labcorp Genetics (formerly Invitae), Labcorp
Classification: Benign. Last evaluated: 2026-02-03. Review status: criteria provided, single submitter. Criteria: Invitae Variant Classification Sherloc (09022015). Collection method: clinical testing. Allele origin: germline.

GeneDx
Classification: Benign. Last evaluated: 2018-11-08. Review status: criteria provided, single submitter. Criteria: GeneDx Variant Classification Process June 2021. Collection method: clinical testing. Allele origin: germline. Affected: yes.
Comment: This variant is associated with the following publications: (PMID: 7586598, 25111116, 19890021, 7714098, 22108961, 23725475, 7904610)

Breakthrough Genomics
Classification: Benign. Review status: criteria provided, single submitter. Criteria: ACMG Guidelines, 2015. Collection method: not provided. Allele origin: germline. Inheritance: Autosomal recessive inheritance. Affected: yes.